The following is an entry in ClinVar:

ClinVar aggregate classification (germline): Uncertain significance (1 of 4 stars; one submission).

Allele frequency attached by ClinVar (database versions not stated): gnomAD exomes below 0.00001; TOPMed 0.00001; gnomAD 0.00002.
gnomAD v4.1: 7 of 1,614,064 alleles (0.00043%); highest among the groups gnomAD compares: African/African-American, 0.008%; no homozygotes.

Submission:

Labcorp Genetics (formerly Invitae), Labcorp
Classification: Uncertain significance. Last evaluated: 2026-01-19. Review status: criteria provided, single submitter. Criteria: Invitae Variant Classification Sherloc (09022015). Collection method: clinical testing. Allele origin: germline.
Comment: This sequence change replaces glycine, which is neutral and non-polar, with arginine, which is basic and polar, at codon 2192 of the GPR179 protein (p.Gly2192Arg). This variant is not present in population databases (gnomAD no frequency). This variant has not been reported in the literature in individuals affected with GPR179-related conditions. ClinVar contains an entry for this variant (Variation ID: 1420546). An algorithm developed to predict the effect of missense changes on protein structure and function outputs the following: PolyPhen-2: "Benign". The arginine amino acid residue is found in multiple mammalian species, which suggests that this missense change does not adversely affect protein function. In summary, the available evidence is currently insufficient to determine the role of this variant in disease. Therefore, it has been classified as a Variant of Uncertain Significance.

NM_001004334.4(GPR179):c.6574G>A (p.Gly2192Arg)

Gene: GPR179 (G protein-coupled receptor 179; minus strand). Cytogenetic location: 17q12.
Variant type: single nucleotide variant.
Coding change: c.6574G>A on transcript NM_001004334.4 (MANE Select); coding-DNA position 6574, G replaced by A.
Protein change: p.Gly2192Arg; replaces glycine 2192 with arginine.
Molecular consequence: missense variant.
Genome position (GRCh38, 1-based): chr17:38,326,995, C>T on the plus strand (G>A on the coding strand, the complement: GPR179 is on the minus strand). VCF-style: chr17-38326995-C-T. GRCh37 (hg19) VCF-style: chr17-36482878-C-T.
Other names: short protein forms G2192R.
Identifiers: ClinVar variation 1420546 (VCV001420546.7), dbSNP rs1429614623, ClinGen allele CA398869140.
Genomic context (GRCh38, chr17:38,326,995, plus strand): 5'-CTGCTTCCTTGGGGCTGACTTTGAGTTCTGGGTCCAGGGCACCTGACTGGGGCAAGAGCC[C>T]TCCTGAGCCTGTGCCTTCCCCAGGGCAGACTGCCTCCTGCTCTCTGGGCTTTGCTGCTGC-3'
Protein context (NP_001004334.3, residues 2182-2202): VCPGEGTGSG[Gly2192Arg]LLPQSGALDP